The following is an entry in ClinVar:

ClinVar aggregate classification (germline): Uncertain significance. Review status: criteria provided, multiple submitters, no conflicts (2 of 4 stars). 6 submissions from 5 submitters: Uncertain significance (6). Last evaluated 2024-01-20.

Conditions:
Inborn genetic diseases. Identifiers: MedGen C0950123, MeSH D030342.
Lethal Kniest-like syndrome (DDSH). Also called: Dyssegmental Dysplasia. Identifiers: Orphanet 1865, MedGen C1857100, MONDO:0009140, OMIM 224410.
Schwartz-Jampel syndrome. Also called: Myotonic myopathy dwarfism chondrodystrophy and ocular and facial abnormalities. Identifiers: Orphanet 800, MedGen C0036391, MONDO:0009717.

Allele frequency attached by ClinVar (database versions not stated): ExAC 0.00003; TOPMed 0.00004.
gnomAD v4.1: 56 of 1,606,016 alleles (0.0035%); highest among the groups gnomAD compares: Non-Finnish European, 0.0042%; no homozygotes.

Submissions (6):

Labcorp Genetics (formerly Invitae), Labcorp
Classification: Uncertain significance. Last evaluated: 2024-01-20. Review status: criteria provided, single submitter. Criteria: Invitae Variant Classification Sherloc (09022015). Collection method: clinical testing. Allele origin: germline.
Comment: This sequence change replaces serine, which is neutral and polar, with arginine, which is basic and polar, at codon 1282 of the HSPG2 protein (p.Ser1282Arg). This variant is present in population databases (rs747787010, gnomAD 0.01%). This variant has not been reported in the literature in individuals affected with HSPG2-related conditions. ClinVar contains an entry for this variant (Variation ID: 876569). An algorithm developed to predict the effect of missense changes on protein structure and function (PolyPhen-2) suggests that this variant is likely to be disruptive. Algorithms developed to predict the effect of sequence changes on RNA splicing suggest that this variant may disrupt the consensus splice site. In summary, the available evidence is currently insufficient to determine the role of this variant in disease. Therefore, it has been classified as a Variant of Uncertain Significance.

Athena Diagnostics
Classification: Uncertain significance. Last evaluated: 2022-10-27. Review status: criteria provided, single submitter. Criteria: Athena Diagnostics Criteria. Collection method: clinical testing. Allele origin: unknown.
Comment: Available data are insufficient to determine the clinical significance of the variant at this time. The frequency of this variant in the general population is uninformative in assessment of its pathogenicity. Computational tools disagree on the variant's effect on normal protein function.

Ambry Genetics
Classification: Uncertain significance for Inborn genetic diseases. Last evaluated: 2021-06-18. Review status: criteria provided, single submitter. Criteria: Ambry Variant Classification Scheme 2023. Collection method: clinical testing. Allele origin: germline.

Revvity Omics, Revvity
Classification: Uncertain significance. Last evaluated: 2020-03-19. Review status: criteria provided, single submitter. Criteria: ACMG Guidelines, 2015. Collection method: clinical testing. Allele origin: germline.

Illumina Laboratory Services, Illumina
Classification: Uncertain significance for Lethal Kniest-like syndrome. Last evaluated: 2018-01-13. Review status: criteria provided, single submitter. Criteria: ICSL Variant Classification Criteria 13 December 2019. Collection method: clinical testing. Allele origin: germline.

Illumina Laboratory Services, Illumina
Classification: Uncertain significance for Schwartz-Jampel syndrome type 1. Last evaluated: 2018-01-13. Review status: criteria provided, single submitter. Criteria: ICSL Variant Classification Criteria 13 December 2019. Collection method: clinical testing. Allele origin: germline.

NM_005529.7(HSPG2):c.3846C>G (p.Ser1282Arg)

Gene: HSPG2 (heparan sulfate proteoglycan 2; minus strand). Cytogenetic location: 1p36.12.
Variant type: single nucleotide variant.
Coding change: c.3846C>G on transcript NM_005529.7 (MANE Select); coding-DNA position 3846, C replaced by G.
Protein change: p.Ser1282Arg; replaces serine 1282 with arginine.
Molecular consequence: missense variant.
Genome position (GRCh38, 1-based): chr1:21,873,039, G>C on the plus strand (C>G on the coding strand, the complement: HSPG2 is on the minus strand). VCF-style: chr1-21873039-G-C. GRCh37 (hg19) VCF-style: chr1-22199532-G-C.
Other names: c.3846C>G (NM_005529.6); c.3849C>G, p.Ser1283Arg (NM_001291860.2); short protein forms S1283R, S1282R.
Identifiers: ClinVar variation 876569 (VCV000876569.12), dbSNP rs747787010, ClinGen allele CA672490.